The following is an entry in ClinVar:

NM_052947.4(ALPK2):c.3631G>A (p.Val1211Ile)

Genes: ALPK2 (alpha kinase 2; minus strand), LOC126862764 (BRD4-independent group 4 enhancer GRCh37_chr18:56202574-56203773; plus strand). Cytogenetic location: 18q21.31.
Variant type: single nucleotide variant.
Coding change: c.3631G>A on transcript NM_052947.4 (MANE Select); coding-DNA position 3631, G replaced by A.
Protein change: p.Val1211Ile; replaces valine 1211 with isoleucine.
Molecular consequence: missense variant.
Genome position (GRCh38, 1-based): chr18:58,536,556, C>T on the plus strand (G>A on the coding strand, the complement: ALPK2 is on the minus strand). VCF-style: chr18-58536556-C-T. GRCh37 (hg19) VCF-style: chr18-56203788-C-T.
Other names: short protein forms V1211I.
Identifiers: ClinVar variation 1733419 (VCV001733419.6), dbSNP rs80083249, ClinGen allele CA8976853.

ClinVar aggregate classification (germline): Uncertain significance. Review status: criteria provided, single submitter (1 of 4 stars). 2 submissions from 2 submitters: Uncertain significance (1). 1 of the submissions does not count toward it. Last evaluated 2025-08-03.

Conditions:
ALPK2-related disorder. Also called: ALPK2-related condition.

Allele frequency attached by ClinVar (database versions not stated): gnomAD exomes 0.00024; ExAC 0.00078; ESP Exome Variant Server 0.00185; gnomAD 0.00259; 1000 Genomes Project 0.00260; TOPMed 0.00270; 1000 Genomes Project 30x 0.00281.
gnomAD v4.1: 754 of 1,614,014 alleles (0.047%); highest among the groups gnomAD compares: African/African-American, 0.91%; 2 homozygotes.

Submissions (2):

Ambry Genetics
Classification: Uncertain significance. Last evaluated: 2025-08-03. Review status: criteria provided, single submitter. Criteria: Ambry Variant Classification Scheme 2023. Collection method: clinical testing. Allele origin: germline.

PreventionGenetics, part of Exact Sciences
Classification: Benign for ALPK2-related condition. Last evaluated: 2019-12-05. Review status: no assertion criteria provided. Collection method: clinical testing. Allele origin: germline. Not counted in ClinVar's aggregate classification.
Comment: This variant is classified as benign based on ACMG/AMP sequence variant interpretation guidelines (Richards et al. 2015 PMID: 25741868, with internal and published modifications).